The following is an entry in ClinVar:

NM_000284.4(PDHA1):c.643A>C (p.Lys215Gln)

Gene: PDHA1 (pyruvate dehydrogenase E1 subunit alpha 1; plus strand). Cytogenetic location: Xp22.12.
Variant type: single nucleotide variant.
Coding change: c.643A>C on transcript NM_000284.4 (MANE Select); coding-DNA position 643, A replaced by C.
Protein change: p.Lys215Gln; replaces lysine 215 with glutamine.
Molecular consequence: missense variant.
Genome position (GRCh38, 1-based): chrX:19,355,388, A>C. VCF-style: chrX-19355388-A-C. GRCh37 (hg19) VCF-style: chrX-19373506-A-C.
Other names: c.757A>C, p.Lys253Gln (NM_001173454.2); c.664A>C, p.Lys222Gln (NM_001173455.2); c.550A>C, p.Lys184Gln (NM_001173456.2); short protein forms K184Q, K215Q, K222Q, K253Q.
Identifiers: ClinVar variation 4070351 (VCV004070351.1).
Genomic context (GRCh38, chrX:19,355,388, plus strand): 5'-CCTTTTCGTAACTACTTCCAGGGCCAGATATTCGAAGCTTACAACATGGCAGCTTTGTGG[A>C]AATTACCTTGTATTTTCATCTGTGAGAATAATCGCTATGGAATGGGAACGTCTGTTGAGA-3'
Protein context (NP_000275.1, residues 205-225): FEAYNMAALW[Lys215Gln]LPCIFICENN

ClinVar aggregate classification (germline): Likely pathogenic (0 of 4 stars; one submission).

Conditions:
Pyruvate dehydrogenase E1-alpha deficiency (PDHAD). Also called: ATAXIA, INTERMITTENT, WITH PYRUVATE DEHYDROGENASE DEFICIENCY; ATAXIA WITH LACTIC ACIDOSIS I; ATAXIA, INTERMITTENT, WITH ABNORMAL PYRUVATE METABOLISM; Ataxia, intermittent, with pyruvate dehydrogenase, or decarboxylase, deficiency. Identifiers: Orphanet 79243, MedGen C1839413, MONDO:0010717, OMIM 312170.

Submission:

PDHA1 Study Group, University Children’s Hospital, Paracelsus Medical University
Classification: Likely pathogenic for Pyruvate dehydrogenase E1-alpha deficiency. Last evaluated: 2024-10-15. Review status: no assertion criteria provided. Collection method: research. Allele origin: germline. Affected: yes. Observed: 1 variant allele.
Comment: The NM_000284.3:c.643A>C (p.Lys215Gln) substitution is a missense variant in PDHA1 gene. Last literature search: July 12, 2024. This variant is absent or extremely rare in population-based cohorts in the Genome Aggregation Database (gnomAD). Individuals harboring this variant presented with clinical features compatible with PDHA1-related PDHc deficiency. In summary, this variant meets criteria to be classified as likely pathogenic (LP) for PDHA1-related PDHc deficiency based on the ACMG/AMP criteria applied: PM2, PM7, PP3, PP4 (last assessment October 15, 2024).

Literature cited by the submitters: DOI 10.1093/brain/awaf430.